The following is an entry in ClinVar:

NM_004360.5(CDH1):c.1452C>G (p.Pro484=)

Gene: CDH1 (cadherin 1; plus strand). Cytogenetic location: 16q22.1.
Variant type: single nucleotide variant.
Coding change: c.1452C>G on transcript NM_004360.5 (MANE Select); coding-DNA position 1452, C replaced by G.
Protein change: p.Pro484=; no amino-acid change (proline 484 retained).
Molecular consequence: synonymous variant. On other transcripts: 5 prime UTR variant (2).
Genome position (GRCh38, 1-based): chr16:68,815,646, C>G. VCF-style: chr16-68815646-C-G. GRCh37 (hg19) VCF-style: chr16-68849549-C-G.
Other names: c.1452C>G (NM_004360.3); c.1269C>G, p.Pro423= (NM_001317184.2); c.-97C>G (NM_001317185.2); c.-368C>G (NM_001317186.2).
Identifiers: ClinVar variation 1138847 (VCV001138847.11), dbSNP rs1597898030, ClinGen allele CA496154055.

ClinVar aggregate classification (germline): Benign/Likely benign. Review status: criteria provided, multiple submitters, no conflicts (2 of 4 stars). 3 submissions from 3 submitters: Benign (1); Likely benign (2). Last evaluated 2026-06-28.

Conditions:
Hereditary diffuse gastric adenocarcinoma (HDGC). Also called: DIFFUSE GASTRIC AND LOBULAR BREAST CANCER SYNDROME. Identifiers: Orphanet 26106, MedGen C1708349, MONDO:0007648, OMIM 137215.
Hereditary cancer-predisposing syndrome. Also called: Neoplastic Syndromes, Hereditary; Tumor predisposition; Hereditary Cancer Syndrome; Hereditary neoplastic syndrome. Identifiers: Orphanet 140162, MedGen C0027672, MeSH D009386, MONDO:0015356.

gnomAD v4.1: 1 of 1,614,200 alleles (0.000062%); highest among the groups gnomAD compares: Admixed American, 0.0017%; no homozygotes.

Submissions (3):

Ambry Genetics
Classification: Likely benign for Hereditary cancer-predisposing syndrome. Last evaluated: 2026-06-28. Review status: criteria provided, single submitter. Criteria: Ambry Variant Classification Scheme 2023. Collection method: clinical testing. Allele origin: germline.

Myriad Genetics, Inc.
Classification: Benign for Hereditary diffuse gastric adenocarcinoma. Last evaluated: 2024-09-19. Review status: criteria provided, single submitter. Criteria: Myriad Autosomal Dominant, Autosomal Recessive and X-Linked Classification Criteria (2023). Collection method: clinical testing. Allele origin: unknown.
Comment: This variant is considered benign. This variant is a silent/synonymous amino acid change and it is not expected to impact splicing.

Labcorp Genetics (formerly Invitae), Labcorp
Classification: Likely benign for Hereditary diffuse gastric adenocarcinoma. Last evaluated: 2022-06-07. Review status: criteria provided, single submitter. Criteria: Invitae Variant Classification Sherloc (09022015). Collection method: clinical testing. Allele origin: germline.